The following is an entry in ClinVar:

ClinVar aggregate classification (germline): Likely benign. Review status: criteria provided, single submitter (1 of 4 stars). 2 submissions from 2 submitters: Likely benign (1). 1 of the submissions does not count toward it. Last evaluated 2024-09-01.

Conditions:
EHHADH-related disorder. Also called: EHHADH-related condition.

Allele frequency attached by ClinVar (database versions not stated): gnomAD exomes 0.00002; ExAC 0.00006; gnomAD 0.00014; TOPMed 0.00014; ESP Exome Variant Server 0.00015; 1000 Genomes Project 30x 0.00016; 1000 Genomes Project 0.00020.
gnomAD v4.1: 46 of 1,614,128 alleles (0.0028%); highest among the groups gnomAD compares: African/African-American, 0.036%; no homozygotes.

Submissions (2):

CeGaT Center for Human Genetics Tuebingen
Classification: Likely benign. Last evaluated: 2024-09-01. Review status: criteria provided, single submitter. Criteria: CeGaT Center For Human Genetics Tuebingen Variant Classification Criteria Version 2. Collection method: clinical testing. Allele origin: germline. Affected: yes. Observed: 1 variant allele.
Comment: EHHADH: BP4, BP7

PreventionGenetics, part of Exact Sciences
Classification: Likely benign for EHHADH-related condition. Last evaluated: 2021-04-07. Review status: no assertion criteria provided. Collection method: clinical testing. Allele origin: germline. Not counted in ClinVar's aggregate classification.
Comment: This variant is classified as likely benign based on ACMG/AMP sequence variant interpretation guidelines (Richards et al. 2015 PMID: 25741868, with internal and published modifications).

NM_001966.4(EHHADH):c.819C>T (p.Phe273=)

Gene: EHHADH (enoyl-CoA hydratase and 3-hydroxyacyl CoA dehydrogenase; minus strand). Cytogenetic location: 3q27.2.
Variant type: single nucleotide variant.
Coding change: c.819C>T on transcript NM_001966.4 (MANE Select); coding-DNA position 819, C replaced by T.
Protein change: p.Phe273=; no amino-acid change (phenylalanine 273 retained).
Molecular consequence: synonymous variant.
Genome position (GRCh38, 1-based): chr3:185,204,507, G>A on the plus strand (C>T on the coding strand, the complement: EHHADH is on the minus strand). VCF-style: chr3-185204507-G-A. GRCh37 (hg19) VCF-style: chr3-184922295-G-A.
Other names: c.531C>T, p.Phe177= (NM_001166415.2).
Identifiers: ClinVar variation 3036182 (VCV003036182.16), dbSNP rs201465186, ClinGen allele CA2739118.